The following is an entry in ClinVar:

NM_004360.5(CDH1):c.1566-17A>G

Gene: CDH1 (cadherin 1; plus strand). Cytogenetic location: 16q22.1.
Variant type: single nucleotide variant.
Coding change: c.1566-17A>G on transcript NM_004360.5 (MANE Select); 17 bases into the intron before coding-DNA position 1566, A replaced by G.
Molecular consequence: intron variant.
Genome position (GRCh38, 1-based): chr16:68,819,263, A>G. VCF-style: chr16-68819263-A-G. GRCh37 (hg19) VCF-style: chr16-68853166-A-G.
Other names: c.18-17A>G (NM_001317185.2); c.-254-2738A>G (NM_001317186.2); c.1383-17A>G (NM_001317184.2); c.1566-17A>G (LRG_301t1).
Identifiers: ClinVar variation 509857 (VCV000509857.10), dbSNP rs1555516507, ClinGen allele CA658798625.

ClinVar aggregate classification (germline): Likely benign. Review status: criteria provided, multiple submitters, no conflicts (2 of 4 stars). 3 submissions from 3 submitters: Likely benign (3). Last evaluated 2025-10-05.

Conditions:
Hereditary diffuse gastric adenocarcinoma (HDGC). Also called: DIFFUSE GASTRIC AND LOBULAR BREAST CANCER SYNDROME. Identifiers: Orphanet 26106, MedGen C1708349, MONDO:0007648, OMIM 137215.

Submissions (3):

Labcorp Genetics (formerly Invitae), Labcorp
Classification: Likely benign for Hereditary diffuse gastric adenocarcinoma. Last evaluated: 2025-10-05. Review status: criteria provided, single submitter. Criteria: Invitae Variant Classification Sherloc (09022015). Collection method: clinical testing. Allele origin: germline.

Myriad Genetics, Inc.
Classification: Likely benign for Hereditary diffuse gastric adenocarcinoma. Last evaluated: 2024-09-19. Review status: criteria provided, single submitter. Criteria: Myriad Autosomal Dominant, Autosomal Recessive and X-Linked Classification Criteria (2023). Collection method: clinical testing. Allele origin: unknown.
Comment: This variant is considered likely benign. This variant is intronic and is not expected to impact mRNA splicing.

GeneDx
Classification: Likely benign. Last evaluated: 2017-05-25. Review status: criteria provided, single submitter. Criteria: GeneDx Variant Classification (06012015). Collection method: clinical testing. Allele origin: germline. Affected: yes.
Comment: This variant is considered likely benign or benign based on one or more of the following criteria: it is a conservative change, it occurs at a poorly conserved position in the protein, it is predicted to be benign by multiple in silico algorithms, and/or has population frequency not consistent with disease.